The following is an entry in ClinVar:

ClinVar aggregate classification (germline): Benign (1 of 4 stars; one submission).

Allele frequency attached by ClinVar (database versions not stated): 1000 Genomes Project 0.33087; TOPMed 0.45336; gnomAD 0.50733 and 0.51768; gnomAD exomes 0.53833.
gnomAD v4.1: 210,426 of 398,790 alleles (53%); highest among the groups gnomAD compares: Non-Finnish European, 64%; 59,766 homozygotes.

Submission:

GeneDx
Classification: Benign. Last evaluated: 2018-06-19. Review status: criteria provided, single submitter. Criteria: GeneDx Variant Classification (06012015). Collection method: clinical testing. Allele origin: germline. Affected: yes.
Comment: This variant is considered likely benign or benign based on one or more of the following criteria: it is a conservative change, it occurs at a poorly conserved position in the protein, it is predicted to be benign by multiple in silico algorithms, and/or has population frequency not consistent with disease.

NM_177924.5(ASAH1):c.786-241A>G

Gene: ASAH1 (N-acylsphingosine amidohydrolase 1; minus strand). Cytogenetic location: 8p22.
Variant type: single nucleotide variant.
Coding change: c.786-241A>G on transcript NM_177924.5 (MANE Select); 241 bases into the intron before coding-DNA position 786, A replaced by G.
Molecular consequence: intron variant.
Genome position (GRCh38, 1-based): chr8:18,059,944, T>C on the plus strand (A>G on the coding strand, the complement: ASAH1 is on the minus strand). VCF-style: chr8-18059944-T-C. GRCh37 (hg19) VCF-style: chr8-17917453-T-C.
Other names: c.834-241A>G (NM_004315.6); c.768-241A>G (NM_001127505.3); c.591-241A>G (NM_001363743.2).
Identifiers: ClinVar variation 678189 (VCV000678189.1), dbSNP rs11203934, ClinGen allele CA12716431.
Genomic context (GRCh38, chr8:18,059,944, plus strand): 5'-AAGCCCTACATGCATTAGGTATTTGTCCTAATGCTCTCCCTCCCCTTTCACCCCACCCCC[T>C]GACAGGCCCTGGTGCGTGATGTTCCCCTCCCTGTGTTCACGTGTTCTCTTTGTTCAGCTC-3'